The following is an entry in ClinVar:

ClinVar aggregate classification (germline): Uncertain significance. Review status: criteria provided, multiple submitters, no conflicts (2 of 4 stars). 2 submissions from 2 submitters: Uncertain significance (2). Last evaluated 2025-12-01.

Allele frequency attached by ClinVar (database versions not stated): ExAC 0.00027; 1000 Genomes Project 0.00020; gnomAD 0.00041; ESP Exome Variant Server 0.00054; TOPMed 0.00028; 1000 Genomes Project 30x 0.00031.

Submissions (2):

Labcorp Genetics (formerly Invitae), Labcorp
Classification: Uncertain significance. Last evaluated: 2025-12-01. Review status: criteria provided, single submitter. Criteria: Invitae Variant Classification Sherloc (09022015). Collection method: clinical testing. Allele origin: germline.
Comment: This sequence change replaces alanine, which is neutral and non-polar, with threonine, which is neutral and polar, at codon 681 of the ABCB6 protein (p.Ala681Thr). This variant is present in population databases (rs142421126, gnomAD 0.06%), and has an allele count higher than expected for a pathogenic variant. This missense change has been observed in individual(s) with acute intermittent porphyria (PMID: 27507172). ClinVar contains an entry for this variant (Variation ID: 2035693). An algorithm developed to predict the effect of missense changes on protein structure and function (PolyPhen-2) suggests that this variant is likely to be tolerated. In summary, the available evidence is currently insufficient to determine the role of this variant in disease. Therefore, it has been classified as a Variant of Uncertain Significance.

Mayo Clinic Laboratories, Mayo Clinic
Classification: Uncertain significance. Last evaluated: 2023-10-27. Review status: criteria provided, single submitter. Criteria: ACMG Guidelines, 2015. Collection method: clinical testing. Allele origin: germline. Observed: 1 variant allele.

Literature cited by the submitters: PubMed 27507172 (cited by Labcorp Genetics (formerly Invitae), Labcorp and Mayo Clinic Laboratories, Mayo Clinic); PubMed 34312373 (cited by Mayo Clinic Laboratories, Mayo Clinic).

NM_005689.4(ABCB6):c.2041G>A (p.Ala681Thr)

Gene: ABCB6 (ATP binding cassette subfamily B member 6 (LAN blood group); minus strand). Cytogenetic location: 2q35.
Variant type: single nucleotide variant.
Coding change: c.2041G>A on transcript NM_005689.4 (MANE Select); coding-DNA position 2041, G replaced by A.
Protein change: p.Ala681Thr; replaces alanine 681 with threonine.
Molecular consequence: missense variant.
Genome position (GRCh38, 1-based): chr2:219,211,036, C>T on the plus strand (G>A on the coding strand, the complement: ABCB6 is on the minus strand). VCF-style: chr2-219211036-C-T. GRCh37 (hg19) VCF-style: chr2-220075758-C-T.
Other names: p.Ala681Thr; c.1903G>A, p.Ala635Thr (NM_001349828.2); short protein forms A635T, A681T.
Identifiers: ClinVar variation 2035693 (VCV002035693.5), dbSNP rs142421126, ClinGen allele CA2119085.